The following is an entry in ClinVar:

NM_001035.3(RYR2):c.2906+229G>A

Gene: RYR2 (ryanodine receptor 2; plus strand). Cytogenetic location: 1q43.
Variant type: single nucleotide variant.
Coding change: c.2906+229G>A on transcript NM_001035.3 (MANE Select); 229 bases into the intron after coding-DNA position 2906, G replaced by A.
Molecular consequence: intron variant.
Genome position (GRCh38, 1-based): chr1:237,530,739, G>A. VCF-style: chr1-237530739-G-A. GRCh37 (hg19) VCF-style: chr1-237694039-G-A.
Identifiers: ClinVar variation 670895 (VCV000670895.1), dbSNP rs1930308, ClinGen allele CA10861583.

ClinVar aggregate classification (germline): Benign (1 of 4 stars; one submission).

Allele frequency attached by ClinVar (database versions not stated): gnomAD 0.24411 and 0.24949; TOPMed 0.25293; 1000 Genomes Project 30x 0.26062; 1000 Genomes Project 0.26338.
gnomAD v4.1: 37,984 of 151,864 alleles (25%); highest among the groups gnomAD compares: South Asian, 35%; 5,074 homozygotes.

Submission:

GeneDx
Classification: Benign. Last evaluated: 2018-06-15. Review status: criteria provided, single submitter. Criteria: GeneDx Variant Classification (06012015). Collection method: clinical testing. Allele origin: germline. Affected: yes.
Comment: This variant is considered likely benign or benign based on one or more of the following criteria: it is a conservative change, it occurs at a poorly conserved position in the protein, it is predicted to be benign by multiple in silico algorithms, and/or has population frequency not consistent with disease.